The following is an entry in ClinVar:

NM_001029896.2(WDR45):c.210_213dup (p.Pro72Ter)

Genes: WDR45 (WD repeat domain 45; minus strand), LOC126863256 (BRD4-independent group 4 enhancer GRCh37_chrX:48934848-48936047; plus strand). Cytogenetic location: Xp11.23.
Variant type: Duplication.
Coding change: c.210_213dup on transcript NM_001029896.2 (MANE Select); coding-DNA positions 210 to 213, 4 bases duplicated (TAGT; older notation c.210_213dupTAGT).
Protein change: p.Pro72Ter; replaces proline 72 with a stop codon.
Molecular consequence: nonsense.
Genome position (GRCh38, 1-based): chrX:49,077,665-49,077,668, ACTA duplicated on the plus strand (TAGT on the coding strand, the reverse complement: WDR45 is on the minus strand). VCF-style (leftmost placement, unchanged base first): chrX-49077664-G-GACTA. GRCh37 (hg19) VCF-style: chrX-48935323-G-GACTA.
Other names: c.210_213dup, p.Pro72Ter (NM_007075.4); c.210_213dupTAGT (NM_007075.3); short protein forms P72*.
Identifiers: ClinVar variation 567282 (VCV000567282.7), dbSNP rs1569523537, ClinGen allele CA891844553.

ClinVar aggregate classification (germline): Pathogenic (1 of 4 stars; one submission).

Conditions:
Neurodegeneration with brain iron accumulation 5 (NBIA5). Also called: STATIC ENCEPHALOPATHY OF CHILDHOOD WITH NEURODEGENERATION IN ADULTHOOD; Beta-propeller protein-associated neurodegeneration. Identifiers: Orphanet 329284, MedGen C3550973, MONDO:0010476, OMIM 300894.

Submission:

Labcorp Genetics (formerly Invitae), Labcorp
Classification: Pathogenic for Neurodegeneration with brain iron accumulation 5. Last evaluated: 2018-05-30. Review status: criteria provided, single submitter. Criteria: Invitae Variant Classification Sherloc (09022015). Collection method: clinical testing. Allele origin: germline.
Comment: For these reasons, this variant has been classified as Pathogenic. Loss-of-function variants in WDR45 are known to be pathogenic (PMID: 23176820, 24368176, 25744623). This variant has not been reported in the literature in individuals with WDR45-related disease. This variant is not present in population databases (ExAC no frequency). This sequence change creates a premature translational stop signal (p.Pro72*) in the WDR45 gene. It is expected to result in an absent or disrupted protein product.

Literature cited by the submitters: PubMed 23176820; PubMed 24368176; PubMed 25744623.